The following is an entry in ClinVar:

NM_020822.3(KCNT1):c.1009G>A (p.Val337Met)

Gene: KCNT1 (potassium sodium-activated channel subfamily T member 1; plus strand). Cytogenetic location: 9q34.3.
Variant type: single nucleotide variant.
Coding change: c.1009G>A on transcript NM_020822.3 (MANE Select); coding-DNA position 1009, G replaced by A.
Protein change: p.Val337Met; replaces valine 337 with methionine.
Molecular consequence: missense variant.
Genome position (GRCh38, 1-based): chr9:135,759,833, G>A. VCF-style: chr9-135759833-G-A. GRCh37 (hg19) VCF-style: chr9-138651679-G-A.
Other names: c.874G>A, p.Val292Met (NM_001272003.2); short protein forms V292M, V337M.
Identifiers: ClinVar variation 2038643 (VCV002038643.4), dbSNP rs750233863, ClinGen allele CA201461699.

ClinVar aggregate classification (germline): Uncertain significance (1 of 4 stars; one submission).

Conditions:
Developmental and epileptic encephalopathy, 14 (DEE14). Also called: Early infantile epileptic encephalopathy 14. Identifiers: Orphanet 293181, MedGen C3554195, MONDO:0013989, OMIM 614959.
Autosomal dominant nocturnal frontal lobe epilepsy 5. Also called: Epilepsy, nocturnal frontal lobe, 5; CILIARY DYSKINESIA, PRIMARY, 28, WITH SITUS INVERSUS; CILIARY DYSKINESIA, PRIMARY, 28, WITHOUT SITUS INVERSUS; KCNT1-Related Epilepsy. Identifiers: Orphanet 98784, MedGen C3554306, MONDO:0014002, OMIM 615005.

Allele frequency attached by ClinVar (database versions not stated): gnomAD 0.00001; gnomAD exomes 0.00001; TOPMed below 0.00001.
gnomAD v4.1: 8 of 1,608,952 alleles (0.0005%); highest among the groups gnomAD compares: South Asian, 0.0011%; no homozygotes.

Submission:

Labcorp Genetics (formerly Invitae), Labcorp
Classification: Uncertain significance for Autosomal dominant nocturnal frontal lobe epilepsy 5; Developmental and epileptic encephalopathy, 14. Last evaluated: 2022-06-02. Review status: criteria provided, single submitter. Criteria: Invitae Variant Classification Sherloc (09022015). Collection method: clinical testing. Allele origin: germline.
Comment: In summary, the available evidence is currently insufficient to determine the role of this variant in disease. Therefore, it has been classified as a Variant of Uncertain Significance. Advanced modeling of protein sequence and biophysical properties (such as structural, functional, and spatial information, amino acid conservation, physicochemical variation, residue mobility, and thermodynamic stability) performed at Invitae indicates that this missense variant is expected to disrupt KCNT1 protein function. This variant has not been reported in the literature in individuals affected with KCNT1-related conditions. This variant is not present in population databases (gnomAD no frequency). This sequence change replaces valine, which is neutral and non-polar, with methionine, which is neutral and non-polar, at codon 337 of the KCNT1 protein (p.Val337Met).